The following is an entry in ClinVar:

ClinVar aggregate classification (germline): Uncertain significance (1 of 4 stars; one submission).

Submission:

GeneDx
Classification: Uncertain significance. Last evaluated: 2024-07-15. Review status: criteria provided, single submitter. Criteria: GeneDx Variant Classification Process June 2021. Collection method: clinical testing. Allele origin: germline. Affected: yes.
Comment: Not observed at significant frequency in large population cohorts (gnomAD); In silico analysis indicates that this missense variant does not alter protein structure/function; Has not been previously published as pathogenic or benign to our knowledge

NM_001321571.2(CAMK2D):c.567T>A (p.Asp189Glu)

Gene: CAMK2D (calcium/calmodulin dependent protein kinase II delta; minus strand). Cytogenetic location: 4q26.
Variant type: single nucleotide variant.
Coding change: c.567T>A on transcript NM_001321571.2 (MANE Select); coding-DNA position 567, T replaced by A.
Protein change: p.Asp189Glu; replaces aspartic acid 189 with glutamic acid.
Molecular consequence: missense variant. On other transcripts: 5 prime UTR variant (3).
Genome position (GRCh38, 1-based): chr4:113,531,250, A>T on the plus strand (T>A on the coding strand, the complement: CAMK2D is on the minus strand). VCF-style: chr4-113531250-A-T. GRCh37 (hg19) VCF-style: chr4-114452406-A-T.
Other names: c.567T>A, p.Asp189Glu (NM_001221.4, NM_001321566.2, NM_001321567.2 and 33 more transcripts); c.-22T>A (NM_001321578.2, NM_001321585.2, NM_001399865.1); c.450T>A, p.Asp150Glu (NM_001321581.2, NM_001399859.1, NM_001399860.1 and 2 more transcripts); c.180T>A, p.Asp60Glu (NM_001399863.1, NM_001399864.1); short protein forms D150E, D189E, D60E.
Identifiers: ClinVar variation 3573804 (VCV003573804.1).
Genomic context (GRCh38, chr4:113,531,250, plus strand): 5'-ATTTGCTTCAAAATATAATTGCTTACCACATGCCCACATATCCACTGGCTTTCCATAAGG[A>T]TCTTTACGTAAAACTTCTGGAGAAAGATATCCAGGTGTGCCAGCAAAACCTAGGGAAAAG-3'
Protein context (NP_001308500.1, residues 179-199): GYLSPEVLRK[Asp189Glu]PYGKPVDMWA